The following is an entry in ClinVar:

NM_001374353.1(GLI2):c.2152_2154del (p.Glu718del)

Gene: GLI2 (GLI family zinc finger 2; plus strand). Cytogenetic location: 2q14.2.
Variant type: Deletion.
Coding change: c.2152_2154del on transcript NM_001374353.1 (MANE Select); coding-DNA positions 2152 to 2154, 3 bases deleted (GAG; older notation c.2152_2154delGAG).
Protein change: p.Glu718del; deletes glutamic acid 718.
Molecular consequence: inframe deletion.
Genome position (GRCh38, 1-based): chr2:120,986,524-120,986,526, GAG deleted; deleting any 3 consecutive bases within chr2:120,986,522-120,986,526 gives the same sequence; the c. name uses the placement nearest the transcript's 3' end. VCF-style (leftmost placement, unchanged base first): chr2-120986521-AAGG-A. GRCh37 (hg19) VCF-style: chr2-121744097-AAGG-A.
Other names: c.2203_2205del, p.Glu735del (NM_001371271.1, NM_005270.5); c.1777_1779del, p.Glu593del (NM_001374354.1); c.2203_2205del (NM_005270.4); short protein forms E718del, E735del, E593del.
Identifiers: ClinVar variation 1495739 (VCV001495739.6), dbSNP rs1682985936, ClinGen allele CA1035701154.

ClinVar aggregate classification (germline): Uncertain significance. Review status: criteria provided, multiple submitters, no conflicts (2 of 4 stars). 2 submissions from 2 submitters: Uncertain significance (2). Last evaluated 2022-10-26.

Conditions:
Holoprosencephaly 9 (HPE9). Also called: PITUITARY ANOMALIES WITH HOLOPROSENCEPHALY-LIKE FEATURES; HOLOPROSENCEPHALY WITH MICROPHTHALMIA AND FIRST BRANCHIAL ARCH ANOMALIES. Identifiers: Orphanet 2162, MedGen C1835819, MONDO:0012563, OMIM 610829.
Postaxial polydactyly-anterior pituitary anomalies-facial dysmorphism syndrome. Also called: Culler-Jones syndrome. Identifiers: Orphanet 420584, MedGen C4014479, MONDO:0014369, OMIM 615849.

Submissions (2):

GeneDx
Classification: Uncertain significance. Last evaluated: 2022-10-26. Review status: criteria provided, single submitter. Criteria: GeneDx Variant Classification Process June 2021. Collection method: clinical testing. Allele origin: germline. Affected: yes.
Comment: Not observed at significant frequency in large population cohorts (gnomAD); In-frame deletion of 1 amino acid in a non-repeat region; In silico analysis supports a deleterious effect on protein structure/function; Has not been previously published as pathogenic or benign to our knowledge

Labcorp Genetics (formerly Invitae), Labcorp
Classification: Uncertain significance for Postaxial polydactyly-anterior pituitary anomalies-facial dysmorphism syndrome; Holoprosencephaly 9. Last evaluated: 2021-10-11. Review status: criteria provided, single submitter. Criteria: Invitae Variant Classification Sherloc (09022015). Collection method: clinical testing. Allele origin: germline.
Comment: In summary, the available evidence is currently insufficient to determine the role of this variant in disease. Therefore, it has been classified as a Variant of Uncertain Significance. Experimental studies and prediction algorithms are not available or were not evaluated, and the functional significance of this variant is currently unknown. This variant has not been reported in the literature in individuals affected with GLI2-related conditions. This variant is not present in population databases (ExAC no frequency). This variant, c.2203_2205del, results in the deletion of 1 amino acid(s) of the GLI2 protein (p.Glu735del), but otherwise preserves the integrity of the reading frame.